The following is an entry in ClinVar:

NM_004006.3(DMD):c.4009G>T (p.Asp1337Tyr)

Gene: DMD (dystrophin; minus strand). Cytogenetic location: Xp21.1.
Variant type: single nucleotide variant.
Coding change: c.4009G>T on transcript NM_004006.3 (MANE Select); coding-DNA position 4009, G replaced by T.
Protein change: p.Asp1337Tyr; replaces aspartic acid 1337 with tyrosine.
Molecular consequence: missense variant.
Genome position (GRCh38, 1-based): chrX:32,438,303, C>A on the plus strand (G>T on the coding strand, the complement: DMD is on the minus strand). VCF-style: chrX-32438303-C-A. GRCh37 (hg19) VCF-style: chrX-32456420-C-A.
Other names: c.3985G>T, p.Asp1329Tyr (NM_000109.4); c.3997G>T, p.Asp1333Tyr (NM_004009.3); c.3640G>T, p.Asp1214Tyr (NM_004010.3); short protein forms D1214Y, D1329Y, D1333Y, D1337Y.
Identifiers: ClinVar variation 3223653 (VCV003223653.5), dbSNP rs1441001089, ClinGen allele CA412669339.

ClinVar aggregate classification (germline): Uncertain significance. Review status: criteria provided, multiple submitters, no conflicts (2 of 4 stars). 2 submissions from 2 submitters: Uncertain significance (2). Last evaluated 2026-05-19.

Conditions:
Duchenne muscular dystrophy (DMD). Also called: MUSCULAR DYSTROPHY, PSEUDOHYPERTROPHIC PROGRESSIVE, DUCHENNE TYPE; Duchenne Muscular Dystrophy (DMD). Identifiers: Orphanet 98896, MedGen C0013264, MONDO:0010679, OMIM 310200.
Cardiovascular phenotype. Identifiers: MedGen CN230736.

Allele frequency attached by ClinVar (database versions not stated): TOPMed 0.00001.

Submissions (3):

Ambry Genetics
Classification: Uncertain significance for Cardiovascular phenotype. Last evaluated: 2026-05-19. Review status: criteria provided, single submitter. Criteria: Ambry Variant Classification Scheme 2023. Collection method: clinical testing. Allele origin: germline.

Labcorp Genetics (formerly Invitae), Labcorp
Classification: Uncertain significance for Duchenne muscular dystrophy. Last evaluated: 2024-12-05. Review status: criteria provided, single submitter. Criteria: Invitae Variant Classification Sherloc (09022015). Collection method: clinical testing. Allele origin: germline.
Comment: This sequence change replaces aspartic acid, which is acidic and polar, with tyrosine, which is neutral and polar, at codon 1337 of the DMD protein (p.Asp1337Tyr). This variant is not present in population databases (gnomAD no frequency). This variant has not been reported in the literature in individuals affected with DMD-related conditions. ClinVar contains an entry for this variant (Variation ID: 3223653). Invitae Evidence Modeling of protein sequence and biophysical properties (such as structural, functional, and spatial information, amino acid conservation, physicochemical variation, residue mobility, and thermodynamic stability) indicates that this missense variant is not expected to disrupt DMD protein function with a negative predictive value of 95%. In summary, the available evidence is currently insufficient to determine the role of this variant in disease. Therefore, it has been classified as a Variant of Uncertain Significance.

Dr. Peter K. Rogan Lab, Western University
No classification provided (evidence only). Condition: Nonpapillary renal cell carcinoma. Review status: no classification provided. Collection method: in vitro. Allele origin: not applicable. Functional consequence: retained intron. Not counted in ClinVar's aggregate classification.